The following is an entry in ClinVar:

NM_000371.4(TTR):c.112G>A (p.Asp38Asn)

Gene: TTR (transthyretin; plus strand). Cytogenetic location: 18q12.1.
Variant type: single nucleotide variant.
Coding change: c.112G>A on transcript NM_000371.4 (MANE Select); coding-DNA position 112, G replaced by A.
Protein change: p.Asp38Asn; replaces aspartic acid 38 with asparagine.
Molecular consequence: missense variant.
Genome position (GRCh38, 1-based): chr18:31,592,938, G>A. VCF-style: chr18-31592938-G-A. GRCh37 (hg19) VCF-style: chr18-29172901-G-A.
Other names: short protein forms D38N.
Identifiers: ClinVar variation 571867 (VCV000571867.13), dbSNP rs1567945632, ClinGen allele CA402156601.

ClinVar aggregate classification (germline): Pathogenic. Review status: criteria provided, multiple submitters, no conflicts (2 of 4 stars). 2 submissions from 2 submitters: Pathogenic (2). Last evaluated 2022-09-13.

Conditions:
Cardiovascular phenotype. Identifiers: MedGen CN230736.
Amyloidosis, hereditary systemic 1 (AMYLD1). Also called: Hereditary oculoleptomeningeal amyloid angiopathy; Familial Transthyretin Amyloidosis; AMYLOID CARDIOMYOPATHY; Familial amyloid polyneuropathy; Transthyretin Amyloidosis; Hereditary Transthyretin Amyloidosis. Identifiers: Orphanet 85447, Orphanet 85451, MedGen C2751492, MONDO:0971004, OMIM 105210.

Submissions (2):

Labcorp Genetics (formerly Invitae), Labcorp
Classification: Pathogenic for Amyloidosis, hereditary systemic 1. Last evaluated: 2022-09-13. Review status: criteria provided, single submitter. Criteria: Invitae Variant Classification Sherloc (09022015). Collection method: clinical testing. Allele origin: germline.
Comment: This variant disrupts the p.Asp38 amino acid residue in TTR. Other variant(s) that disrupt this residue have been determined to be pathogenic (PMID: 17503405, 23713495, 25644864). This suggests that this residue is clinically significant, and that variants that disrupt this residue are likely to be disease-causing. Advanced modeling of protein sequence and biophysical properties (such as structural, functional, and spatial information, amino acid conservation, physicochemical variation, residue mobility, and thermodynamic stability) performed at Invitae indicates that this missense variant is expected to disrupt TTR protein function. ClinVar contains an entry for this variant (Variation ID: 571867). This variant is also known as p.Asp18Asn. This missense change has been observed in individuals with TTR-related amyloidosis (PMID: 14640030, 23126592; Invitae). This variant is not present in population databases (gnomAD no frequency). This sequence change replaces aspartic acid, which is acidic and polar, with asparagine, which is neutral and polar, at codon 38 of the TTR protein (p.Asp38Asn). For these reasons, this variant has been classified as Pathogenic.

Ambry Genetics
Classification: Pathogenic for Cardiovascular phenotype. Last evaluated: 2021-06-30. Review status: criteria provided, single submitter. Criteria: Ambry Variant Classification Scheme 2023. Collection method: clinical testing. Allele origin: germline.
Comment: The p.D38N pathogenic mutation (also known as c.112G>A and legacy D18N), located in coding exon 2 of the TTR gene, results from a G to A substitution at nucleotide position 112. The aspartic acid at codon 38 is replaced by asparagine, an amino acid with highly similar properties. This pathogenic mutation has been identified in individuals with cardiac amyloidosis, some of whom also had peripheral neuropathy; this variant has also been detected in pre-symptomatic family members (Connors LH et al. Amyloid, 2003 Sep;10:160-84; Quarta CC & Falk RH. Amyloid. 2012;19(4):204-7; Liu L et al. Chin Med J (Engl), 2020 Nov;133:2616-2618; Ren C et al. EJNMMI Phys, 2021 Jan;8:3). An in vitro functional study found this pathogenic mutation, which is located in the AB loop of the TTR protein, resulted in an unstable tetrameric structure (Redondo C et al. Biochem J. 2000;348 Pt 1:167-72). This variant is considered to be rare based on population cohorts in the Genome Aggregation Database (gnomAD). Based on the supporting evidence, this alteration is interpreted as a disease-causing mutation.

Literature cited by the submitters: PubMed 17503405 (cited by Labcorp Genetics (formerly Invitae), Labcorp); PubMed 23713495 (cited by Labcorp Genetics (formerly Invitae), Labcorp); PubMed 25644864 (cited by Labcorp Genetics (formerly Invitae), Labcorp); PubMed 14640030 (cited by Labcorp Genetics (formerly Invitae), Labcorp and Ambry Genetics); PubMed 23126592 (cited by Labcorp Genetics (formerly Invitae), Labcorp and Ambry Genetics); PubMed 10794728 (cited by Ambry Genetics); PubMed 19781421 (cited by Ambry Genetics); PubMed 32925285 (cited by Ambry Genetics); PubMed 33038745 (cited by Ambry Genetics); PubMed 33411102 (cited by Ambry Genetics).